The following is an entry in ClinVar:

NM_000744.7(CHRNA4):c.1269G>C (p.Lys423Asn)

Gene: CHRNA4 (cholinergic receptor nicotinic alpha 4 subunit; minus strand). Cytogenetic location: 20q13.33.
Variant type: single nucleotide variant.
Coding change: c.1269G>C on transcript NM_000744.7 (MANE Select); coding-DNA position 1269, G replaced by C.
Protein change: p.Lys423Asn; replaces lysine 423 with asparagine.
Molecular consequence: missense variant. On other transcripts: non-coding transcript variant (1).
Genome position (GRCh38, 1-based): chr20:63,350,142, C>G on the plus strand (G>C on the coding strand, the complement: CHRNA4 is on the minus strand). VCF-style: chr20-63350142-C-G. GRCh37 (hg19) VCF-style: chr20-61981494-C-G.
Other names: c.741G>C, p.Lys247Asn (NM_001256573.2); short protein forms K423N, K247N.
Identifiers: ClinVar variation 420616 (VCV000420616.8), dbSNP rs199916140, ClinGen allele CA9957622.

ClinVar aggregate classification (germline): Likely benign. Review status: criteria provided, multiple submitters, no conflicts (2 of 4 stars). 2 submissions from 2 submitters: Likely benign (2). Last evaluated 2026-01-19.

Conditions:
Familial sleep-related hypermotor epilepsy. Also called: Autosomal Dominant Sleep-Related Hypermotor (Hyperkinetic) Epilepsy. Identifiers: Orphanet 98784, MedGen C3696898, MONDO:0000030.

Allele frequency attached by ClinVar (database versions not stated): gnomAD 0.00013 and 0.00014; TOPMed 0.00020; ExAC 0.00012; gnomAD exomes 0.00001 and 0.00003.
gnomAD v4.1: 41 of 1,571,394 alleles (0.0026%); highest among the groups gnomAD compares: African/African-American, 0.043%; no homozygotes.

Submissions (2):

Labcorp Genetics (formerly Invitae), Labcorp
Classification: Likely benign. Last evaluated: 2026-01-19. Review status: criteria provided, single submitter. Criteria: Invitae Variant Classification Sherloc (09022015). Collection method: clinical testing. Allele origin: germline.

GeneDx
Classification: Likely benign. Last evaluated: 2017-05-08. Review status: criteria provided, single submitter. Criteria: GeneDx Variant Classification (06012015). Collection method: clinical testing. Allele origin: germline. Affected: yes.
Comment: This variant is considered likely benign or benign based on one or more of the following criteria: it is a conservative change, it occurs at a poorly conserved position in the protein, it is predicted to be benign by multiple in silico algorithms, and/or has population frequency not consistent with disease.